The following is an entry in ClinVar:

ClinVar aggregate classification (germline): Conflicting classifications of pathogenicity. Review status: criteria provided, conflicting classifications (1 of 4 stars). 4 submissions from 4 submitters: Uncertain significance (1); Likely benign (3). Last evaluated 2025-11-10.

Conditions:
Autosomal recessive nonsyndromic hearing loss 3. Also called: NEUROSENSORY NONSYNDROMIC RECESSIVE DEAFNESS 3. Identifiers: Orphanet 90636, MedGen C1838263, MONDO:0010860, OMIM 600316.

Allele frequency attached by ClinVar (database versions not stated): gnomAD 0.00006 and 0.00008; TOPMed 0.00006; gnomAD exomes 0.00007 and 0.00015; ExAC 0.00009; 1000 Genomes Project 30x 0.00016; 1000 Genomes Project 0.00020.
gnomAD v4.1: 227 of 1,613,884 alleles (0.014%); highest among the groups gnomAD compares: Non-Finnish European, 0.018%; no homozygotes.

Submissions (4):

Labcorp Genetics (formerly Invitae), Labcorp
Classification: Likely benign. Last evaluated: 2025-11-10. Review status: criteria provided, single submitter. Criteria: Invitae Variant Classification Sherloc (09022015). Collection method: clinical testing. Allele origin: germline.

GeneDx
Classification: Likely benign. Last evaluated: 2020-01-09. Review status: criteria provided, single submitter. Criteria: GeneDx Variant Classification Process June 2021. Collection method: clinical testing. Allele origin: germline. Affected: yes.

Illumina Laboratory Services, Illumina
Classification: Uncertain significance for Autosomal recessive nonsyndromic hearing loss 3. Last evaluated: 2018-01-12. Review status: criteria provided, single submitter. Criteria: ICSL Variant Classification Criteria 13 December 2019. Collection method: clinical testing. Allele origin: germline.

Laboratory for Molecular Medicine, Mass General Brigham Personalized Medicine
Classification: Likely benign. Last evaluated: 2014-11-01. Review status: criteria provided, single submitter. Criteria: LMM Criteria. Collection method: clinical testing. Allele origin: germline. Observed: 1 variant allele.
Comment: c.10083-4A>C in intron 62 of MYO15A: This variant is not expected to have clinic al significance because an A>C change at this position does not diverge from the splice consensus sequence and is therefore unlikely to impact splicing.

NM_016239.4(MYO15A):c.10083-4A>C

Gene: MYO15A (myosin XVA; plus strand). Cytogenetic location: 17p11.2.
Variant type: single nucleotide variant.
Coding change: c.10083-4A>C on transcript NM_016239.4 (MANE Select); 4 bases into the intron before coding-DNA position 10083, A replaced by C.
Molecular consequence: intron variant.
Genome position (GRCh38, 1-based): chr17:18,171,634, A>C. VCF-style: chr17-18171634-A-C. GRCh37 (hg19) VCF-style: chr17-18074948-A-C.
Identifiers: ClinVar variation 164571 (VCV000164571.14), dbSNP rs550552225, ClinGen allele CA177283.
Genomic context (GRCh38, chr17:18,171,634, plus strand): 5'-ACAGTGAGGATTGCCTGAGCCTGGGAGCTCACTCAGGACCTTTTTCCCCTTCCTCCGTAC[A>C]CAGGCGGGAAGTCCAGGAGTACATCCCAGCCCAGCTCTACCGTACAACGGCAGGCTCGAC-3'